The following is an entry in ClinVar:

NM_000059.4(BRCA2):c.6446_6447del (p.Ile2149fs)

Gene: BRCA2 (BRCA2 DNA repair associated; plus strand). Cytogenetic location: 13q13.1.
Variant type: Deletion.
Coding change: c.6446_6447del on transcript NM_000059.4 (MANE Select); coding-DNA positions 6446 to 6447, 2 bases deleted (TT; older notation c.6446_6447delTT).
Protein change: p.Ile2149fs; shifts the reading frame from isoleucine 2149.
Molecular consequence: frameshift variant.
Genome position (GRCh38, 1-based): chr13:32,340,801-32,340,802, TT deleted. VCF-style (leftmost placement, unchanged base first): chr13-32340800-ATT-A. GRCh37 (hg19) VCF-style: chr13-32914937-ATT-A.
Other names: c.6446_6447del (NM_000059.3); c.6446_6447delTT (NM_000059.3); short protein forms I2149fs.
Identifiers: ClinVar variation 233457 (VCV000233457.15), dbSNP rs876660421, ClinGen allele CA10579695.
Genomic context (GRCh38, chr13:32,340,800, plus strand): 5'-GAATTTAAATTATCAAATAACTTAAATGTTGAAGGTGGTTCTTCAGAAAATAATCACTCT[ATT>A]AAAGTTTCTCCATATCTCTCTCAATTTCAACAAGACAAACAACAGTTGGTATTAGGAACC-3'

ClinVar aggregate classification (germline): Pathogenic. Review status: reviewed by expert panel (3 of 4 stars). 5 submissions from 5 submitters: Pathogenic (1). 4 of the submissions do not count toward it. Last evaluated 2017-12-15.

Conditions:
Hereditary cancer-predisposing syndrome. Also called: Tumor predisposition; Hereditary neoplastic syndrome; Hereditary Cancer Syndrome; Neoplastic Syndromes, Hereditary. Identifiers: Orphanet 140162, MedGen C0027672, MeSH D009386, MONDO:0015356.
Hereditary breast ovarian cancer syndrome. Also called: Hereditary breast and/or ovarian cancer syndrome; Breast and ovarian cancer; Hereditary breast and ovarian cancer; Hereditary breast and ovarian cancer syndrome; Hereditary breast and ovarian cancer syndrome (HBOC); BRCA1- and BRCA2-Associated Hereditary Breast and Ovarian Cancer. Identifiers: Orphanet 145, MedGen C0677776, MeSH D061325, MONDO:0003582. Disease mechanism: loss of function.
Breast-ovarian cancer, familial, susceptibility to, 2 (BROVCA2). Also called: BRCA2 Hereditary Breast and Ovarian Cancer. Identifiers: Orphanet 145, MedGen C2675520, MONDO:0012933, OMIM 612555. Disease mechanism: loss of function.
Familial cancer of breast. Also called: BREAST CANCER, FAMILIAL; Hereditary breast cancer; hereditary breast carcinoma. Identifiers: Orphanet 227535, MedGen C0346153, MONDO:0016419, OMIM 114480. Disease mechanism: loss of function.

Submissions (5):

Evidence-based Network for the Interpretation of Germline Mutant Alleles (ENIGMA)
Classification: Pathogenic for Breast-ovarian cancer, familial, susceptibility to, 2. Last evaluated: 2017-12-15. Review status: reviewed by expert panel. Criteria: ENIGMA BRCA1/2 Classification Criteria (2017-06-29). Collection method: curation. Allele origin: germline. Study: ENIGMA.
Comment: Variant allele predicted to encode a truncated non-functional protein.

GeneDx
Classification: Pathogenic. Last evaluated: 2026-07-23. Review status: criteria provided, single submitter. Criteria: GeneDx Variant Classification Process June 2021. Collection method: clinical testing. Allele origin: germline. Not counted in ClinVar's aggregate classification.
Comment: Frameshift variant predicted to result in protein truncation or nonsense mediated decay in a gene for which loss of function is a known mechanism of disease; Truncating variants in this gene are considered pathogenic by a well-established clinical consortium and/or database; Not observed at significant frequency in large population cohorts (gnomAD); Also known as 6674_6675del; Has not been previously published as pathogenic or benign to our knowledge; This variant is associated with the following publications: (PMID: 12228710)

Labcorp Genetics (formerly Invitae), Labcorp
Classification: Pathogenic for Hereditary breast ovarian cancer syndrome. Last evaluated: 2024-06-21. Review status: criteria provided, single submitter. Criteria: Invitae Variant Classification Sherloc (09022015). Collection method: clinical testing. Allele origin: germline. Not counted in ClinVar's aggregate classification.
Comment: This sequence change creates a premature translational stop signal (p.Ile2149Lysfs*26) in the BRCA2 gene. It is expected to result in an absent or disrupted protein product. Loss-of-function variants in BRCA2 are known to be pathogenic (PMID: 20104584). This variant is not present in population databases (gnomAD no frequency). This variant has not been reported in the literature in individuals affected with BRCA2-related conditions. ClinVar contains an entry for this variant (Variation ID: 233457). For these reasons, this variant has been classified as Pathogenic.

Baylor Genetics
Classification: Likely pathogenic for Familial cancer of breast. Last evaluated: 2024-02-29. Review status: criteria provided, single submitter. Criteria: ACMG Guidelines, 2015. Collection method: clinical testing. Allele origin: unknown. Not counted in ClinVar's aggregate classification.

Ambry Genetics
Classification: Pathogenic for Hereditary cancer-predisposing syndrome. Last evaluated: 2023-10-16. Review status: criteria provided, single submitter. Criteria: Ambry Variant Classification Scheme 2023. Collection method: clinical testing. Allele origin: germline. Not counted in ClinVar's aggregate classification.
Comment: The c.6446_6447delTT pathogenic mutation, located in coding exon 10 of the BRCA2 gene, results from a deletion of two nucleotides at nucleotide positions 6446 to 6447, causing a translational frameshift with a predicted alternate stop codon (p.I2149Kfs*26). This variant is considered to be rare based on population cohorts in the Genome Aggregation Database (gnomAD). This alteration is expected to result in loss of function by premature protein truncation or nonsense-mediated mRNA decay. As such, this alteration is interpreted as a disease-causing mutation.

Literature cited by the submitters: PubMed 20104584 (cited by Labcorp Genetics (formerly Invitae), Labcorp).